The following is an entry in ClinVar:

ClinVar aggregate classification (germline): Likely pathogenic (1 of 4 stars; one submission).

Conditions:
Achromatopsia. Also called: Rod monochromatism. Identifiers: Orphanet 49382, MedGen C0152200, MONDO:0018852, HP:0011516.

Submission:

Natera, Inc.
Classification: Likely pathogenic for Achromatopsia. Last evaluated: 2025-11-19. Review status: criteria provided, single submitter. Criteria: Natera Variant Classification Schema (03/2026). Collection method: clinical testing. Allele origin: germline.
Comment: The c.671_672dup variant in CNGB3 is a frameshift variant predicted to shift the reading frame beginning at codon 225 and leads to a stop codon 55 codons downstream. This variant is expected to result in nonsense mediated decay, truncation, or a dysfunctional protein product. This variant is rare in the general population with a frequency below the threshold expected for the associated phenotype(s). Given the available evidence, this variant is classified as Likely Pathogenic.

NM_019098.5(CNGB3):c.671_672dup (p.Val225fs)

Gene: CNGB3 (cyclic nucleotide gated channel subunit beta 3; minus strand). Cytogenetic location: 8q21.3.
Variant type: Duplication.
Coding change: c.671_672dup on transcript NM_019098.5 (MANE Select); coding-DNA positions 671 to 672, 2 bases duplicated (TT; older notation c.671_672dupTT).
Protein change: p.Val225fs; shifts the reading frame from valine 225.
Molecular consequence: frameshift variant.
Genome position (GRCh38, 1-based): chr8:86,667,105-86,667,106, AA duplicated on the plus strand (TT on the coding strand, the reverse complement: CNGB3 is on the minus strand). VCF-style (leftmost placement, unchanged base first): chr8-86667104-C-CAA. GRCh37 (hg19) VCF-style: chr8-87679332-C-CAA.
Other names: short protein forms V225fs.
Identifiers: ClinVar variation 4816022 (VCV004816022.1).